The following is an entry in ClinVar:

NM_007294.4(BRCA1):c.640G>A (p.Asp214Asn)

Gene: BRCA1 (BRCA1 DNA repair associated; minus strand). Cytogenetic location: 17q21.31.
Variant type: single nucleotide variant.
Coding change: c.640G>A on transcript NM_007294.4 (MANE Select); coding-DNA position 640, G replaced by A.
Protein change: p.Asp214Asn; replaces aspartic acid 214 with asparagine.
Molecular consequence: missense variant. On other transcripts: non-coding transcript variant (1).
Genome position (GRCh38, 1-based): chr17:43,095,876, C>T on the plus strand (G>A on the coding strand, the complement: BRCA1 is on the minus strand). VCF-style: chr17-43095876-C-T. GRCh37 (hg19) VCF-style: chr17-41247893-C-T.
Other names: c.427G>A, p.Asp143Asn (NM_001407571.1, NM_001407853.1, NM_001407894.1 and 12 more transcripts); c.640G>A, p.Asp214Asn (NM_001407581.1, NM_001407582.1, NM_001407583.1 and 59 more transcripts); c.637G>A, p.Asp213Asn (NM_001407587.1, NM_001407590.1, NM_001407591.1 and 41 more transcripts); c.631G>A, p.Asp211Asn (NM_001407646.1, NM_001407647.1, NM_001408408.1); c.562G>A, p.Asp188Asn (NM_001407653.1, NM_001407654.1, NM_001407655.1 and 9 more transcripts); c.559G>A, p.Asp187Asn (NM_001407659.1, NM_001407660.1, NM_001407661.1 and 3 more transcripts); c.499G>A, p.Asp167Asn (NM_001407692.1, NM_001407694.1, NM_001407695.1 and 43 more transcripts); c.496G>A, p.Asp166Asn (NM_001407740.1, NM_001407741.1, NM_001407742.1 and 26 more transcripts); and 4 more; short protein forms D214N, D167N, D169N, D187N, D213N, D166N, D188N, D143N.
Identifiers: ClinVar variation 187522 (VCV000187522.17), dbSNP rs786203797, ClinGen allele CA003769.

ClinVar aggregate classification (germline): Uncertain significance. Review status: criteria provided, multiple submitters, no conflicts (2 of 4 stars). 4 submissions from 4 submitters: Uncertain significance (4). Last evaluated 2025-04-18.

Conditions:
Hereditary cancer-predisposing syndrome. Also called: Neoplastic Syndromes, Hereditary; Tumor predisposition; Hereditary Cancer Syndrome; Hereditary neoplastic syndrome. Identifiers: Orphanet 140162, MedGen C0027672, MeSH D009386, MONDO:0015356.
Hereditary breast ovarian cancer syndrome. Also called: Hereditary breast and ovarian cancer; Hereditary breast and/or ovarian cancer syndrome; BRCA1- and BRCA2-Associated Hereditary Breast and Ovarian Cancer; Hereditary breast and ovarian cancer syndrome (HBOC); Hereditary breast and ovarian cancer syndrome; Breast and ovarian cancer. Identifiers: Orphanet 145, MedGen C0677776, MeSH D061325, MONDO:0003582. Disease mechanism: loss of function.

Allele frequency attached by ClinVar (database versions not stated): TOPMed below 0.00001.

Submissions (4):

Ambry Genetics
Classification: Uncertain significance for Hereditary cancer-predisposing syndrome. Last evaluated: 2025-04-18. Review status: criteria provided, single submitter. Criteria: Ambry Variant Classification Scheme 2023. Collection method: clinical testing. Allele origin: germline.
Comment: The p.D214N variant (also known as c.640G>A), located in coding exon 8 of the BRCA1 gene, results from a G to A substitution at nucleotide position 640. The aspartic acid at codon 214 is replaced by asparagine, an amino acid with highly similar properties. This amino acid position is poorly conserved in available vertebrate species. In addition, the in silico prediction for this alteration is inconclusive. Since supporting evidence is limited at this time, the clinical significance of this alteration remains unclear.

Labcorp Genetics (formerly Invitae), Labcorp
Classification: Uncertain significance for Hereditary breast ovarian cancer syndrome. Last evaluated: 2022-07-20. Review status: criteria provided, single submitter. Criteria: Invitae Variant Classification Sherloc (09022015). Collection method: clinical testing. Allele origin: germline.
Comment: This sequence change replaces aspartic acid, which is acidic and polar, with asparagine, which is neutral and polar, at codon 214 of the BRCA1 protein (p.Asp214Asn). This variant is not present in population databases (gnomAD no frequency). This variant has not been reported in the literature in individuals affected with BRCA1-related conditions. ClinVar contains an entry for this variant (Variation ID: 187522). Advanced modeling of protein sequence and biophysical properties (such as structural, functional, and spatial information, amino acid conservation, physicochemical variation, residue mobility, and thermodynamic stability) performed at Invitae indicates that this missense variant is not expected to disrupt BRCA1 protein function. In summary, the available evidence is currently insufficient to determine the role of this variant in disease. Therefore, it has been classified as a Variant of Uncertain Significance.

Women's Health and Genetics/Laboratory Corporation of America, LabCorp
Classification: Uncertain significance. Last evaluated: 2021-07-31. Review status: criteria provided, single submitter. Criteria: LabCorp Variant Classification Summary - May 2015. Collection method: clinical testing. Allele origin: germline.
Comment: Variant summary: BRCA1 c.640G>A (p.Asp214Asn) results in a conservative amino acid change in the encoded protein sequence. Four of five in-silico tools predict a benign effect of the variant on protein function. The variant was absent in 251038 control chromosomes. The available data on variant occurrences in the general population are insufficient to allow any conclusion about variant significance. c.640G>A has been reported in the literature to co-occur with BRCA2, c.3846_3847delTG (p.Val1283fs) in the FFPE tumor specimen of at-least one individual affected with ovarian cancer (Endris_2016). However, the germline status of BRCA1/2 was not determined in this study. These report(s) do not provide unequivocal conclusions about association of the variant with Hereditary Breast And Ovarian Cancer Syndrome. To our knowledge, no experimental evidence demonstrating an impact on protein function has been reported. Three clinical diagnostic laboratories have submitted clinical-significance assessments for this variant to ClinVar after 2014 without evidence for independent evaluation. All laboratories classified the variant as uncertain significance. Based on the evidence outlined above, the variant was classified as uncertain significance.

Color Diagnostics, LLC DBA Color Health
Classification: Uncertain significance for Hereditary cancer-predisposing syndrome. Last evaluated: 2020-12-03. Review status: criteria provided, single submitter. Criteria: ACMG Guidelines, 2015. Collection method: clinical testing. Allele origin: germline.
Comment: This missense variant replaces aspartic acid with asparagine at codon 214 of the BRCA1 protein. Computational prediction suggests that this variant may not impact protein structure and function (internally defined REVEL score threshold <= 0.5, PMID: 27666373). To our knowledge, functional studies have not been reported for this variant. This variant has not been reported in individuals affected with hereditary cancer in the literature. This variant has not been identified in the general population by the Genome Aggregation Database (gnomAD). The available evidence is insufficient to determine the role of this variant in disease conclusively. Therefore, this variant is classified as a Variant of Uncertain Significance.

Literature cited by the submitters: PubMed 27003155 (cited by Women's Health and Genetics/Laboratory Corporation of America, LabCorp).